The following is an entry in ClinVar:

ClinVar aggregate classification (germline): Uncertain significance. Review status: criteria provided, multiple submitters, no conflicts (2 of 4 stars). 2 submissions from 2 submitters: Uncertain significance (2). Last evaluated 2021-08-29.

Conditions:
Intellectual developmental disorder, autosomal dominant 1. Also called: MBD5 Haploinsufficiency; Intellectual disability, autosomal dominant 1. Identifiers: Orphanet 228402, MedGen C1969562, MONDO:0007974, OMIM 156200.

Allele frequency attached by ClinVar (database versions not stated): gnomAD exomes 0.00001; TOPMed below 0.00001; gnomAD 0.00001.
gnomAD v4.1: 17 of 1,613,864 alleles (0.0011%); highest among the groups gnomAD compares: Non-Finnish European, 0.0014%; no homozygotes.

Submissions (2):

Labcorp Genetics (formerly Invitae), Labcorp
Classification: Uncertain significance for Intellectual developmental disorder, autosomal dominant 1. Last evaluated: 2021-08-29. Review status: criteria provided, single submitter. Criteria: Invitae Variant Classification Sherloc (09022015). Collection method: clinical testing. Allele origin: germline.
Comment: This sequence change replaces valine with phenylalanine at codon 385 of the MBD5 protein (p.Val385Phe). The valine residue is highly conserved and there is a small physicochemical difference between valine and phenylalanine. This variant is not present in population databases (ExAC no frequency). This variant has not been reported in the literature in individuals affected with MBD5-related conditions. Algorithms developed to predict the effect of missense changes on protein structure and function (SIFT, PolyPhen-2, Align-GVGD) all suggest that this variant is likely to be disruptive. In summary, the available evidence is currently insufficient to determine the role of this variant in disease. Therefore, it has been classified as a Variant of Uncertain Significance.

GeneDx
Classification: Uncertain significance. Last evaluated: 2020-11-23. Review status: criteria provided, single submitter. Criteria: GeneDx Variant Classification Process June 2021. Collection method: clinical testing. Allele origin: germline. Affected: yes.
Comment: Not observed in large population cohorts (Lek et al., 2016); In silico analysis supports that this missense variant does not alter protein structure/function; In silico analysis, which includes splice predictors and evolutionary conservation, suggests this variant may impact gene splicing. In the absence of RNA/functional studies, the actual effect of this sequence change is unknown.; Has not been previously published as pathogenic or benign to our knowledge

NM_001378120.1(MBD5):c.1153G>T (p.Val385Phe)

Gene: MBD5 (methyl-CpG binding domain protein 5; plus strand). Cytogenetic location: 2q23.1.
Variant type: single nucleotide variant.
Coding change: c.1153G>T on transcript NM_001378120.1 (MANE Select); coding-DNA position 1153, G replaced by T.
Protein change: p.Val385Phe; replaces valine 385 with phenylalanine.
Molecular consequence: missense variant.
Genome position (GRCh38, 1-based): chr2:148,469,096, G>T. VCF-style: chr2-148469096-G-T. GRCh37 (hg19) VCF-style: chr2-149226665-G-T.
Other names: c.1153G>T, p.Val385Phe (NM_018328.5); short protein forms V385F.
Identifiers: ClinVar variation 1218042 (VCV001218042.9), dbSNP rs1230879827, ClinGen allele CA348718490.
Genomic context (GRCh38, chr2:148,469,096, plus strand): 5'-CCTAGTAAACCAGTGAATCAGAACCCTGTTATCATTAATCCAACCAGTTTCCATTCAAAT[G>T]TCCACTCTCAGGTACCTATGATGAATGTAAGCATGCCTCCTGCTGTTGTTCCTTTGCCAA-3'
Protein context (NP_001365049.1, residues 375-395): IINPTSFHSN[Val385Phe]HSQVPMMNVS